The following is an entry in ClinVar:

NM_001366722.1(GRIP1):c.449C>T (p.Thr150Ile)

Gene: GRIP1 (glutamate receptor interacting protein 1; minus strand). Cytogenetic location: 12q14.3.
Variant type: single nucleotide variant.
Coding change: c.449C>T on transcript NM_001366722.1 (MANE Select); coding-DNA position 449, C replaced by T.
Protein change: p.Thr150Ile; replaces threonine 150 with isoleucine.
Molecular consequence: missense variant.
Genome position (GRCh38, 1-based): chr12:66,529,884, G>A on the plus strand (C>T on the coding strand, the complement: GRIP1 is on the minus strand). VCF-style: chr12-66529884-G-A. GRCh37 (hg19) VCF-style: chr12-66923664-G-A.
Other names: c.449C>T, p.Thr150Ile (NM_001178074.2, NM_001379346.1, NM_021150.4); c.527C>T, p.Thr176Ile (NM_001366723.1, NM_001366724.1, NM_001379345.1 and 2 more transcripts); c.452C>T, p.Thr151Ile (NM_001379349.1, NM_001379351.1); short protein forms T151I, T150I, T176I.
Identifiers: ClinVar variation 2055321 (VCV002055321.2), dbSNP rs376743837, ClinGen allele CA385626704.

ClinVar aggregate classification (germline): Uncertain significance (1 of 4 stars; one submission).

Allele frequency attached by ClinVar (database versions not stated): TOPMed below 0.00001; gnomAD 0.00001; gnomAD exomes 0.00001.
gnomAD v4.1: 8 of 1,604,474 alleles (0.0005%); highest among the groups gnomAD compares: Admixed American, 0.0017%; no homozygotes.

Submission:

Labcorp Genetics (formerly Invitae), Labcorp
Classification: Uncertain significance. Last evaluated: 2022-12-06. Review status: criteria provided, single submitter. Criteria: Invitae Variant Classification Sherloc (09022015). Collection method: clinical testing. Allele origin: germline.
Comment: In summary, the available evidence is currently insufficient to determine the role of this variant in disease. Therefore, it has been classified as a Variant of Uncertain Significance. Advanced modeling of protein sequence and biophysical properties (such as structural, functional, and spatial information, amino acid conservation, physicochemical variation, residue mobility, and thermodynamic stability) performed at Invitae indicates that this missense variant is not expected to disrupt GRIP1 protein function. This variant has not been reported in the literature in individuals affected with GRIP1-related conditions. This variant is present in population databases (no rsID available, gnomAD 0.0009%). This sequence change replaces threonine, which is neutral and polar, with isoleucine, which is neutral and non-polar, at codon 150 of the GRIP1 protein (p.Thr150Ile).